The following is an entry in ClinVar:

NM_005445.4(SMC3):c.1655T>A (p.Val552Asp)

Gene: SMC3 (structural maintenance of chromosomes 3; plus strand). Cytogenetic location: 10q25.2.
Variant type: single nucleotide variant.
Coding change: c.1655T>A on transcript NM_005445.4 (MANE Select); coding-DNA position 1655, T replaced by A.
Protein change: p.Val552Asp; replaces valine 552 with aspartic acid.
Molecular consequence: missense variant.
Genome position (GRCh38, 1-based): chr10:110,590,557, T>A. VCF-style: chr10-110590557-T-A. GRCh37 (hg19) VCF-style: chr10-112350315-T-A.
Other names: short protein forms V552D.
Identifiers: ClinVar variation 1777340 (VCV001777340.2), dbSNP rs2493127561, ClinGen allele CA378389316.

ClinVar aggregate classification (germline): Likely pathogenic (1 of 4 stars; one submission).

Conditions:
Inborn genetic diseases. Identifiers: MedGen C0950123, MeSH D030342.

Submission:

Ambry Genetics
Classification: Likely pathogenic for Inborn genetic diseases. Last evaluated: 2016-12-07. Review status: criteria provided, single submitter. Criteria: Ambry Variant Classification Scheme 2023. Collection method: clinical testing. Allele origin: germline.
Comment: The p.V552D variant (also known as c.1655T>A), located in coding exon 16 of the SMC3 gene, results from a T to A substitution at nucleotide position 1655. The valine at codon 552 is replaced by aspartic acid, an amino acid with highly dissimilar properties. Based on internal structural analysis, this variant is anticipated to result in a significant decrease in structural stability (Kurze A et al. EMBO J., 2011 Jan;30:364-78). This amino acid position is highly conserved in available vertebrate species. In addition, this alteration is predicted to be deleterious by in silico analysis. Based on the majority of available evidence to date, this variant is likely to be pathogenic.

Literature cited by the submitters: PubMed 21139566.